The following is an entry in ClinVar:

ClinVar aggregate classification (germline): Uncertain significance. Review status: criteria provided, multiple submitters, no conflicts (2 of 4 stars). 2 submissions from 2 submitters: Uncertain significance (2). Last evaluated 2025-06-20.

Conditions:
Hereditary cancer-predisposing syndrome. Also called: Neoplastic Syndromes, Hereditary; Tumor predisposition; Hereditary Cancer Syndrome; Hereditary neoplastic syndrome. Identifiers: Orphanet 140162, MedGen C0027672, MeSH D009386, MONDO:0015356.
Familial adenomatous polyposis 1 (FAP1). Also called: FAMILIAL ADENOMATOUS POLYPOSIS 1, ATTENUATED; POLYPOSIS, ADENOMATOUS INTESTINAL. Identifiers: MedGen C2713442, MONDO:0021056, OMIM 175100. Disease mechanism: loss of function.

Allele frequency attached by ClinVar (database versions not stated): gnomAD exomes below 0.00001; ExAC 0.00001.
gnomAD v4.1: 5 of 1,606,316 alleles (0.00031%); highest among the groups gnomAD compares: Non-Finnish European, 0.00043%; no homozygotes.

Submissions (2):

Labcorp Genetics (formerly Invitae), Labcorp
Classification: Uncertain significance for Familial adenomatous polyposis 1. Last evaluated: 2025-06-20. Review status: criteria provided, single submitter. Criteria: Invitae Variant Classification Sherloc (09022015). Collection method: clinical testing. Allele origin: germline.
Comment: This sequence change replaces leucine, which is neutral and non-polar, with histidine, which is basic and polar, at codon 148 of the APC protein (p.Leu148His). This variant is present in population databases (rs762062860, gnomAD 0.0009%). This variant has not been reported in the literature in individuals affected with APC-related conditions. ClinVar contains an entry for this variant (Variation ID: 231065). Invitae Evidence Modeling of protein sequence and biophysical properties (such as structural, functional, and spatial information, amino acid conservation, physicochemical variation, residue mobility, and thermodynamic stability) indicates that this missense variant is not expected to disrupt APC protein function with a negative predictive value of 95%. In summary, the available evidence is currently insufficient to determine the role of this variant in disease. Therefore, it has been classified as a Variant of Uncertain Significance.

Ambry Genetics
Classification: Uncertain significance for Hereditary cancer-predisposing syndrome. Last evaluated: 2024-09-30. Review status: criteria provided, single submitter. Criteria: Ambry Variant Classification Scheme 2023. Collection method: clinical testing. Allele origin: germline.
Comment: The p.L148H variant (also known as c.443T>A), located in coding exon 4 of the APC gene, results from a T to A substitution at nucleotide position 443. The leucine at codon 148 is replaced by histidine, an amino acid with similar properties. This amino acid position is highly conserved in available vertebrate species. In addition, in silico predictors for this gene do not accurately predict pathogenicity. Missense alterations in APC are not a common cause of disease (Spier I et al. Genet Med. 2024 Feb;26(2):100992). Based on the available evidence, the clinical significance of this variant remains unclear.

NM_000038.6(APC):c.443T>A (p.Leu148His)

Gene: APC (APC regulator of Wnt signaling pathway; plus strand). Cytogenetic location: 5q22.2.
Variant type: single nucleotide variant.
Coding change: c.443T>A on transcript NM_000038.6 (MANE Select); coding-DNA position 443, T replaced by A.
Protein change: p.Leu148His; replaces leucine 148 with histidine.
Molecular consequence: missense variant. On other transcripts: 5 prime UTR variant (1).
Genome position (GRCh38, 1-based): chr5:112,775,649, T>A. VCF-style: chr5-112775649-T-A. GRCh37 (hg19) VCF-style: chr5-112111346-T-A.
Other names: c.443T>A, p.Leu148His (NM_001354899.2, NM_001354903.2, NM_001127510.3 and 2 more transcripts); c.266T>A, p.Leu89His (NM_001354900.2, NM_001354901.2, NM_001354905.2); c.473T>A, p.Leu158His (NM_001354902.2, NM_001127511.3, NM_001354897.2); c.368T>A, p.Leu123His (NM_001354904.2, NM_001354898.2); c.-593T>A (NM_001354906.2); short protein forms L148H, L158H, L89H, L123H.
Identifiers: ClinVar variation 231065 (VCV000231065.16), dbSNP rs762062860, ClinGen allele CA039077.